The following is an entry in ClinVar:

ClinVar aggregate classification (germline): Pathogenic (1 of 4 stars; one submission).

Conditions:
Primary ciliary dyskinesia. Also called: Ciliary dyskinesia. Identifiers: Orphanet 244, MedGen C0008780, MONDO:0016575, HP:0012265.

Submission:

Labcorp Genetics (formerly Invitae), Labcorp
Classification: Pathogenic for Primary ciliary dyskinesia. Last evaluated: 2022-05-06. Review status: criteria provided, single submitter. Criteria: Invitae Variant Classification Sherloc (09022015). Collection method: clinical testing. Allele origin: germline.
Comment: For these reasons, this variant has been classified as Pathogenic. Algorithms developed to predict the effect of sequence changes on RNA splicing suggest that this variant may create or strengthen a splice site. ClinVar contains an entry for this variant (Variation ID: 1071134). This variant has not been reported in the literature in individuals affected with DNAH5-related conditions. This variant is not present in population databases (gnomAD no frequency). This sequence change creates a premature translational stop signal (p.Lys1540Argfs*8) in the DNAH5 gene. It is expected to result in an absent or disrupted protein product. Loss-of-function variants in DNAH5 are known to be pathogenic (PMID: 11788826, 16627867).

Literature cited by the submitters: PubMed 11788826; PubMed 16627867.

NM_001369.3(DNAH5):c.4619_4622del (p.Lys1540fs)

Genes: DNAH5 (dynein axonemal heavy chain 5; minus strand), DNAH5-AS1 (DNAH5 antisense RNA 1; plus strand). Cytogenetic location: 5p15.2.
Variant type: Deletion.
Coding change: c.4619_4622del on transcript NM_001369.3 (MANE Select); coding-DNA positions 4619 to 4622, 4 bases deleted (AAGA; older notation c.4619_4622delAAGA).
Protein change: p.Lys1540fs; shifts the reading frame from lysine 1540.
Molecular consequence: frameshift variant.
Genome position (GRCh38, 1-based): chr5:13,862,722-13,862,725, TCTT deleted on the plus strand (AAGA on the coding strand, the reverse complement: DNAH5 is on the minus strand); deleting any 4 consecutive bases within chr5:13,862,722-13,862,727 gives the same sequence; the c. name uses the placement nearest the transcript's 3' end. VCF-style (leftmost placement, unchanged base first): chr5-13862721-CTCTT-C. GRCh37 (hg19) VCF-style: chr5-13862830-CTCTT-C.
Other names: short protein forms K1540fs.
Identifiers: ClinVar variation 1071134 (VCV001071134.7), dbSNP rs2151905927, ClinGen allele CA2499217638.